The following is an entry in ClinVar:

ClinVar aggregate classification (germline): Likely pathogenic (1 of 4 stars; one submission).

Conditions:
Rubinstein-Taybi syndrome due to EP300 haploinsufficiency. Also called: EP300-Related Rubinstein-Taybi Syndrome; RUBINSTEIN-TAYBI SYNDROME 2. Identifiers: Orphanet 353284, Orphanet 783, MedGen C3150941, MONDO:0013364, OMIM 613684.

Submission:

3billion
Classification: Likely pathogenic for Rubinstein-Taybi syndrome due to EP300 haploinsufficiency. Last evaluated: 2023-02-23. Review status: criteria provided, single submitter. Criteria: ACMG Guidelines, 2015. Collection method: clinical testing. Allele origin: unknown. Affected: yes.
Comment: The variant is not observed in the gnomAD v2.1.1 dataset. This variant was predicted to result in a loss or disruption of normal protein function through nonsense-mediated decay (NMD) or protein truncation. Multiple pathogenic variants are reported downstream of the variant. Therefore, this variant is classified as Likely pathogenic according to the recommendation of ACMG/AMP guideline.

NM_001429.4(EP300):c.1709_1710del (p.Gln570fs)

Gene: EP300 (EP300 lysine acetyltransferase; plus strand). Cytogenetic location: 22q13.2.
Variant type: Deletion.
Coding change: c.1709_1710del on transcript NM_001429.4 (MANE Select); coding-DNA positions 1709 to 1710, 2 bases deleted (AG; older notation c.1709_1710delAG).
Protein change: p.Gln570fs; shifts the reading frame from glutamine 570.
Molecular consequence: frameshift variant.
Genome position (GRCh38, 1-based): chr22:41,137,739-41,137,740, AG deleted. VCF-style (leftmost placement, unchanged base first): chr22-41137738-CAG-C. GRCh37 (hg19) VCF-style: chr22-41533742-CAG-C.
Other names: c.1709_1710del, p.Gln570fs (NM_001362843.2); short protein forms Q570fs.
Identifiers: ClinVar variation 2444383 (VCV002444383.1), dbSNP rs2518141380, ClinGen allele CA2580099805.